The following is an entry in ClinVar:

NM_020549.5(CHAT):c.1978-24C>G

Gene: CHAT (choline O-acetyltransferase; plus strand). Cytogenetic location: 10q11.23.
Variant type: single nucleotide variant.
Coding change: c.1978-24C>G on transcript NM_020549.5 (MANE Select); 24 bases into the intron before coding-DNA position 1978, C replaced by G.
Molecular consequence: intron variant.
Genome position (GRCh38, 1-based): chr10:49,664,753, C>G. VCF-style: chr10-49664753-C-G. GRCh37 (hg19) VCF-style: chr10-50872799-C-G.
Other names: c.1624-24C>G (NM_020984.4, NM_020985.4, NM_020986.4 and 2 more transcripts); c.1732-24C>G (NM_001142933.2).
Identifiers: ClinVar variation 673972 (VCV000673972.1), dbSNP rs73321467, ClinGen allele CA5497700.

ClinVar aggregate classification (germline): Likely benign (1 of 4 stars; one submission).

Allele frequency attached by ClinVar (database versions not stated): gnomAD exomes 0.00059 and 0.00140; ExAC 0.00165; 1000 Genomes Project 0.00519; gnomAD 0.00571 and 0.00615; 1000 Genomes Project 30x 0.00578; TOPMed 0.00667; ESP Exome Variant Server 0.00669.
gnomAD v4.1: 1,785 of 1,614,202 alleles (0.11%); highest among the groups gnomAD compares: African/African-American, 2%; 14 homozygotes.

Submission:

GeneDx
Classification: Likely benign. Last evaluated: 2018-06-19. Review status: criteria provided, single submitter. Criteria: GeneDx Variant Classification (06012015). Collection method: clinical testing. Allele origin: germline. Affected: yes.
Comment: This variant is considered likely benign or benign based on one or more of the following criteria: it is a conservative change, it occurs at a poorly conserved position in the protein, it is predicted to be benign by multiple in silico algorithms, and/or has population frequency not consistent with disease.